The following is an entry in ClinVar:

ClinVar aggregate classification (germline): Uncertain significance (1 of 4 stars; one submission).

Conditions:
Hereditary cancer-predisposing syndrome. Also called: Neoplastic Syndromes, Hereditary; Hereditary Cancer Syndrome; Tumor predisposition; Hereditary neoplastic syndrome. Identifiers: Orphanet 140162, MedGen C0027672, MeSH D009386, MONDO:0015356.

Submission:

Ambry Genetics
Classification: Uncertain significance for Hereditary cancer-predisposing syndrome. Last evaluated: 2025-02-25. Review status: criteria provided, single submitter. Criteria: Ambry Variant Classification Scheme 2023. Collection method: clinical testing. Allele origin: germline.
Comment: The c.5193_5201delTCAGAACCT variant (also known as p.Q1732_L1734del) is located in coding exon 39 of the POLE gene. This variant results from an in-frame TCAGAACCT deletion at nucleotide positions 5193 to 5201. This results in the in-frame deletion of 3 amino acids (QNL) at codons 1732 to 1734. These amino acid positions are highly conserved in available vertebrate species. In addition, this alteration is predicted to be deleterious by in silico analysis (Choi Y et al. PLoS ONE. 2012; 7(10):e46688). Based on the available evidence, the clinical significance of this variant remains unclear.

NM_006231.4(POLE):c.5193_5201del (p.Gln1732_Leu1734del)

Gene: POLE (DNA polymerase epsilon, catalytic subunit; minus strand). Cytogenetic location: 12q24.33.
Variant type: Deletion.
Coding change: c.5193_5201del on transcript NM_006231.4 (MANE Select); coding-DNA positions 5193 to 5201, 9 bases deleted (TCAGAACCT; older notation c.5193_5201delTCAGAACCT).
Protein change: p.Gln1732_Leu1734del.
Molecular consequence: inframe deletion.
Genome position (GRCh38, 1-based): chr12:132,641,824-132,641,832, AGGTTCTGA deleted on the plus strand (TCAGAACCT on the coding strand, the reverse complement: POLE is on the minus strand); deleting any 9 consecutive bases within chr12:132,641,824-132,641,836 gives the same sequence; the c. name uses the placement nearest the transcript's 3' end. VCF-style (leftmost placement, unchanged base first): chr12-132641823-CAGGTTCTGA-C. GRCh37 (hg19) VCF-style: chr12-133218409-CAGGTTCTGA-C.
Identifiers: ClinVar variation 3781584 (VCV003781584.1).